The following is an entry in ClinVar:

ClinVar aggregate classification (germline): Uncertain significance (1 of 4 stars; one submission).

Conditions:
Cardiovascular phenotype. Identifiers: MedGen CN230736.

Allele frequency attached by ClinVar (database versions not stated): gnomAD exomes below 0.00001.
gnomAD v4.1: 2 of 1,613,726 alleles (0.00012%); highest among the groups gnomAD compares: African/African-American, 0.0013%; no homozygotes.

Submission:

Ambry Genetics
Classification: Uncertain significance for Cardiovascular phenotype. Last evaluated: 2021-09-20. Review status: criteria provided, single submitter. Criteria: Ambry Variant Classification Scheme 2023. Collection method: clinical testing. Allele origin: germline.
Comment: The p.L216M variant (also known as c.646C>A), located in coding exon 1 of the KCND3 gene, results from a C to A substitution at nucleotide position 646. The leucine at codon 216 is replaced by methionine, an amino acid with highly similar properties. This amino acid position is not well conserved in available vertebrate species. In addition, the in silico prediction for this alteration is inconclusive. Since supporting evidence is limited at this time, the clinical significance of this alteration remains unclear.

NM_001378969.1(KCND3):c.646C>A (p.Leu216Met)

Gene: KCND3 (potassium voltage-gated channel subfamily D member 3; minus strand). Cytogenetic location: 1p13.2.
Variant type: single nucleotide variant.
Coding change: c.646C>A on transcript NM_001378969.1 (MANE Select); coding-DNA position 646, C replaced by A.
Protein change: p.Leu216Met; replaces leucine 216 with methionine.
Molecular consequence: missense variant.
Genome position (GRCh38, 1-based): chr1:111,982,081, G>T on the plus strand (C>A on the coding strand, the complement: KCND3 is on the minus strand). VCF-style: chr1-111982081-G-T. GRCh37 (hg19) VCF-style: chr1-112524703-G-T.
Other names: c.646C>A, p.Leu216Met (NM_001378970.1, NM_004980.5, NM_172198.3); short protein forms L216M.
Identifiers: ClinVar variation 1753698 (VCV001753698.2), dbSNP rs1674980482, ClinGen allele CA341821675.
Genomic context (GRCh38, chr1:111,982,081, plus strand): 5'-TCATGACGCACGCCGTGTCCAGGCAGAAGAAGGCCACCGAGTAGCGCTCCCCGCACGGCA[G>T]CTCCTTGCTGCCCGGGACCGTGCCGCACGGCACCGTCTCCACCACGTTGGTGATGACCGA-3'
Protein context (NP_001365898.1, residues 206-226): PCGTVPGSKE[Leu216Met]PCGERYSVAF